The following is an entry in ClinVar:

ClinVar aggregate classification (germline): Benign/Likely benign. Review status: criteria provided, multiple submitters, no conflicts (2 of 4 stars). 6 submissions from 6 submitters: Benign (5); Likely benign (1). Last evaluated 2026-02-02.

Conditions:
Microcephaly 1, primary, autosomal recessive (MCPH1). Also called: PREMATURE CHROMOSOME CONDENSATION SYNDROME; PCC SYNDROME; PREMATURE CHROMOSOME CONDENSATION WITH MICROCEPHALY AND MENTAL RETARDATION. Identifiers: Orphanet 2512, MedGen C1855081, MONDO:0009617, OMIM 251200.

Allele frequency attached by ClinVar (database versions not stated): gnomAD exomes 0.00077 and 0.00223; ExAC 0.00278; ESP Exome Variant Server 0.00777; gnomAD 0.00778 and 0.00834; TOPMed 0.00984; 1000 Genomes Project 0.01038; 1000 Genomes Project 30x 0.01187.
gnomAD v4.1: 2,376 of 1,614,242 alleles (0.15%); highest among the groups gnomAD compares: African/African-American, 2.7%; 41 homozygotes.

Submissions (24):

Labcorp Genetics (formerly Invitae), Labcorp
Classification: Benign. Last evaluated: 2026-02-02. Review status: criteria provided, single submitter. Criteria: Invitae Variant Classification Sherloc (09022015). Collection method: clinical testing. Allele origin: germline.

Athena Diagnostics
Classification: Benign. Last evaluated: 2024-10-21. Review status: criteria provided, single submitter. Criteria: Athena Diagnostics Criteria. Collection method: clinical testing. Allele origin: unknown.

Illumina Laboratory Services, Illumina
Classification: Benign for Microcephaly 1, primary, autosomal recessive. Last evaluated: 2018-01-13. Review status: criteria provided, single submitter. Criteria: ICSL Variant Classification Criteria 13 December 2019. Collection method: clinical testing. Allele origin: germline.
Comment: This variant was observed in the ICSL laboratory as part of a predisposition screen in an ostensibly healthy population. It had not been previously curated by ICSL or reported in the Human Gene Mutation Database (HGMD: prior to June 1st, 2018), and was therefore a candidate for classification through an automated scoring system. Utilizing variant allele frequency, disease prevalence and penetrance estimates, and inheritance mode, an automated score was calculated to assess if this variant is too frequent to cause the disease. Based on the score and internal cut-off values, a variant classified as benign is not then subjected to further curation. The score for this variant resulted in a classification of benign for this disease.

Center for Pediatric Genomic Medicine, Children's Mercy Hospital and Clinics
Classification: Likely benign. Last evaluated: 2017-04-27. Review status: criteria provided, single submitter. Criteria: ACMG Guidelines, 2015. Collection method: clinical testing. Allele origin: germline.

GeneDx
Classification: Benign. Last evaluated: 2014-04-28. Review status: criteria provided, single submitter. Criteria: GeneDx Variant Classification (06012015). Collection method: clinical testing. Allele origin: germline. Affected: yes.
Comment: This variant is considered likely benign or benign based on one or more of the following criteria: it is a conservative change, it occurs at a poorly conserved position in the protein, it is predicted to be benign by multiple in silico algorithms, and/or has population frequency not consistent with disease.

Genetic Services Laboratory, University of Chicago
Classification: Benign. Last evaluated: 2013-03-04. Review status: criteria provided, single submitter. Criteria: ACMG Guidelines, 2007. Collection method: clinical testing. Allele origin: germline. Inheritance: Autosomal recessive inheritance.

Dr. Peter K. Rogan Lab, Western University
No classification provided (evidence only). Condition: Clear cell carcinoma of kidney. Review status: no classification provided. Collection method: in vitro. Allele origin: not applicable. Functional consequence: retained intron. Not counted in ClinVar's aggregate classification.

Dr. Peter K. Rogan Lab, Western University
No classification provided (evidence only). Condition: Clear cell carcinoma of kidney. Review status: no classification provided. Collection method: in vitro. Allele origin: not applicable. Functional consequence: retained intron. Not counted in ClinVar's aggregate classification.

Dr. Peter K. Rogan Lab, Western University
No classification provided (evidence only). Condition: Clear cell carcinoma of kidney. Review status: no classification provided. Collection method: in vitro. Allele origin: not applicable. Functional consequence: retained intron. Not counted in ClinVar's aggregate classification.

Dr. Peter K. Rogan Lab, Western University
No classification provided (evidence only). Condition: Lung cancer. Review status: no classification provided. Collection method: in vitro. Allele origin: not applicable. Functional consequence: retained intron. Not counted in ClinVar's aggregate classification.

Dr. Peter K. Rogan Lab, Western University
No classification provided (evidence only). Condition: Lung cancer. Review status: no classification provided. Collection method: in vitro. Allele origin: not applicable. Functional consequence: retained intron. Not counted in ClinVar's aggregate classification.

Dr. Peter K. Rogan Lab, Western University
No classification provided (evidence only). Condition: Colon adenocarcinoma. Review status: no classification provided. Collection method: in vitro. Allele origin: not applicable. Functional consequence: retained intron. Not counted in ClinVar's aggregate classification.

Dr. Peter K. Rogan Lab, Western University
No classification provided (evidence only). Condition: Uterine corpus endometrial carcinoma. Review status: no classification provided. Collection method: in vitro. Allele origin: not applicable. Functional consequence: retained intron. Not counted in ClinVar's aggregate classification.

Dr. Peter K. Rogan Lab, Western University
No classification provided (evidence only). Condition: Uterine corpus endometrial carcinoma. Review status: no classification provided. Collection method: in vitro. Allele origin: not applicable. Functional consequence: retained intron. Not counted in ClinVar's aggregate classification.

Dr. Peter K. Rogan Lab, Western University
No classification provided (evidence only). Condition: Uterine corpus endometrial carcinoma. Review status: no classification provided. Collection method: in vitro. Allele origin: not applicable. Functional consequence: retained intron. Not counted in ClinVar's aggregate classification.

Dr. Peter K. Rogan Lab, Western University
No classification provided (evidence only). Condition: Uterine corpus endometrial carcinoma. Review status: no classification provided. Collection method: in vitro. Allele origin: not applicable. Functional consequence: retained intron. Not counted in ClinVar's aggregate classification.

Dr. Peter K. Rogan Lab, Western University
No classification provided (evidence only). Condition: Cervical cancer. Review status: no classification provided. Collection method: in vitro. Allele origin: not applicable. Functional consequence: retained intron. Not counted in ClinVar's aggregate classification.

Dr. Peter K. Rogan Lab, Western University
No classification provided (evidence only). Condition: Cervical cancer. Review status: no classification provided. Collection method: in vitro. Allele origin: not applicable. Functional consequence: retained intron. Not counted in ClinVar's aggregate classification.

Dr. Peter K. Rogan Lab, Western University
No classification provided (evidence only). Condition: Cervical cancer. Review status: no classification provided. Collection method: in vitro. Allele origin: not applicable. Functional consequence: retained intron. Not counted in ClinVar's aggregate classification.

Dr. Peter K. Rogan Lab, Western University
No classification provided (evidence only). Condition: Ovarian serous cystadenocarcinoma. Review status: no classification provided. Collection method: in vitro. Allele origin: not applicable. Functional consequence: retained intron. Not counted in ClinVar's aggregate classification.

Dr. Peter K. Rogan Lab, Western University
No classification provided (evidence only). Condition: Gastric cancer. Review status: no classification provided. Collection method: in vitro. Allele origin: not applicable. Functional consequence: retained intron. Not counted in ClinVar's aggregate classification.

Dr. Peter K. Rogan Lab, Western University
No classification provided (evidence only). Condition: Uterine carcinosarcoma. Review status: no classification provided. Collection method: in vitro. Allele origin: not applicable. Functional consequence: retained intron. Not counted in ClinVar's aggregate classification.

Dr. Peter K. Rogan Lab, Western University
No classification provided (evidence only). Condition: Malignant tumor of esophagus. Review status: no classification provided. Collection method: in vitro. Allele origin: not applicable. Functional consequence: retained intron. Not counted in ClinVar's aggregate classification.

Dr. Peter K. Rogan Lab, Western University
No classification provided (evidence only). Condition: Malignant tumor of esophagus. Review status: no classification provided. Collection method: in vitro. Allele origin: not applicable. Functional consequence: retained intron. Not counted in ClinVar's aggregate classification.

NM_024596.5(MCPH1):c.1738A>G (p.Ser580Gly)

Gene: MCPH1 (microcephalin 1; plus strand). Cytogenetic location: 8p23.1.
Variant type: single nucleotide variant.
Coding change: c.1738A>G on transcript NM_024596.5 (MANE Select); coding-DNA position 1738, A replaced by G.
Protein change: p.Ser580Gly; replaces serine 580 with glycine.
Molecular consequence: missense variant. On other transcripts: non-coding transcript variant (1).
Genome position (GRCh38, 1-based): chr8:6,445,460, A>G. VCF-style: chr8-6445460-A-G. GRCh37 (hg19) VCF-style: chr8-6302981-A-G.
Other names: p.S580G:AGT>GGT; c.1738A>G, p.Ser580Gly (NM_001172574.2, NM_001322042.2, NM_001363979.1 and 1 more transcripts); c.1594A>G, p.Ser532Gly (NM_001172575.2); c.1732A>G, p.Ser578Gly (NM_001322043.2); c.1636A>G, p.Ser546Gly (NM_001322045.2); short protein forms S580G, S546G, S532G, S578G.
Identifiers: ClinVar variation 138185 (VCV000138185.21), dbSNP rs17076894, ClinGen allele CA172493.